The following is an entry in ClinVar:

ClinVar aggregate classification (germline): Benign (1 of 4 stars; one submission).

Conditions:
CEDNIK syndrome. Also called: CEREBRAL DYSGENESIS, NEUROPATHY, ICHTHYOSIS, AND PALMOPLANTAR KERATODERMA SYNDROME; Cerebral dysgenesis, neuropathy, ichthyosis, and palmoplantar keratoderma. Identifiers: Orphanet 66631, MedGen C1836033, MONDO:0012290, OMIM 609528.

Allele frequency attached by ClinVar (database versions not stated): 1000 Genomes Project 0.00519; TOPMed 0.00733; 1000 Genomes Project 30x 0.00781; gnomAD 0.01080 and 0.01095; gnomAD exomes 0.01252.
gnomAD v4.1: 2,517 of 223,156 alleles (1.1%); highest among the groups gnomAD compares: Non-Finnish European, 1.5%; 24 homozygotes.

Submission:

Illumina Laboratory Services, Illumina
Classification: Benign for CEDNIK syndrome. Last evaluated: 2018-01-13. Review status: criteria provided, single submitter. Criteria: ICSL Variant Classification Criteria 13 December 2019. Collection method: clinical testing. Allele origin: germline.
Comment: This variant was observed in the ICSL laboratory as part of a predisposition screen in an ostensibly healthy population. It had not been previously curated by ICSL or reported in the Human Gene Mutation Database (HGMD: prior to June 1st, 2018), and was therefore a candidate for classification through an automated scoring system. Utilizing variant allele frequency, disease prevalence and penetrance estimates, and inheritance mode, an automated score was calculated to assess if this variant is too frequent to cause the disease. Based on the score and internal cut-off values, a variant classified as benign is not then subjected to further curation. The score for this variant resulted in a classification of benign for this disease.

NM_004782.4(SNAP29):c.*2791T>C

Gene: SNAP29 (synaptosome associated protein 29; plus strand). Cytogenetic location: 22q11.21.
Variant type: single nucleotide variant.
Coding change: c.*2791T>C on transcript NM_004782.4 (MANE Select); 2791 bases downstream of the stop codon, T replaced by C.
Molecular consequence: 3 prime UTR variant.
Genome position (GRCh38, 1-based): chr22:20,890,627, T>C. VCF-style: chr22-20890627-T-C. GRCh37 (hg19) VCF-style: chr22-21244915-T-C.
Identifiers: ClinVar variation 340889 (VCV000340889.5), dbSNP rs187911143, ClinGen allele CA10650920.